The following is an entry in ClinVar:

NM_000090.4(COL3A1):c.399T>G (p.Gly133=)

Gene: COL3A1 (collagen type III alpha 1 chain; plus strand). Cytogenetic location: 2q32.2.
Variant type: single nucleotide variant.
Coding change: c.399T>G on transcript NM_000090.4 (MANE Select); coding-DNA position 399, T replaced by G.
Protein change: p.Gly133=; no amino-acid change (glycine 133 retained).
Molecular consequence: synonymous variant.
Genome position (GRCh38, 1-based): chr2:188,985,730, T>G. VCF-style: chr2-188985730-T-G. GRCh37 (hg19) VCF-style: chr2-189850456-T-G.
Identifiers: ClinVar variation 3070092 (VCV003070092.1), dbSNP rs2469108395, ClinGen allele CA430308801.

ClinVar aggregate classification (germline): Likely benign (1 of 4 stars; one submission).

Conditions:
Ehlers-Danlos syndrome, type 4 (EDSVASC). Also called: Ehlers-Danlos Syndrome Type IV; Ehlers-Danlos syndrome vascular type; Ehlers Danlos syndrome, ecchymotic type; Ehlers Danlos syndrome, arterial type; Ehlers Danlos syndrome, Sack-Barabas type. Identifiers: Orphanet 286, MedGen C0268338, MONDO:0017314, OMIM 130050.

Allele frequency attached by ClinVar (database versions not stated): gnomAD exomes below 0.00001.
gnomAD v4.1: 1 of 1,611,804 alleles (0.000062%); highest among the groups gnomAD compares: Non-Finnish European, 0.000085%; no homozygotes.

Submission:

All of Us Research Program, National Institutes of Health
Classification: Likely benign for Ehlers-Danlos syndrome, type 4. Last evaluated: 2023-04-03. Review status: criteria provided, single submitter. Criteria: ACMG Guidelines, 2015. Collection method: clinical testing. Allele origin: germline. Inheritance: Autosomal dominant inheritance. Observed: 1 variant allele, 1 heterozygote.
Comment: This study involves interpretation of variants in research participants for the purpose of population health screening. Participant phenotype was not available at the time of variant classification. Additional details can be found in publication PMID: 35346344, PMCID: PMC8962531